The following is an entry in ClinVar:

NM_005262.3(GFER):c.35G>C (p.Gly12Ala)

Genes: GFER (growth factor, augmenter of liver regeneration; plus strand), LOC130058203 (ATAC-STARR-seq lymphoblastoid silent region 7014; plus strand). Cytogenetic location: 16p13.3.
Variant type: single nucleotide variant.
Coding change: c.35G>C on transcript NM_005262.3 (MANE Select); coding-DNA position 35, G replaced by C.
Protein change: p.Gly12Ala; replaces glycine 12 with alanine.
Molecular consequence: missense variant.
Genome position (GRCh38, 1-based): chr16:1,984,253, G>C. VCF-style: chr16-1984253-G-C. GRCh37 (hg19) VCF-style: chr16-2034254-G-C.
Other names: short protein forms G12A.
Identifiers: ClinVar variation 1933573 (VCV001933573.3), dbSNP rs1163584841, ClinGen allele CA394300106.

ClinVar aggregate classification (germline): Uncertain significance (1 of 4 stars; one submission).

Allele frequency attached by ClinVar (database versions not stated): TOPMed below 0.00001; gnomAD 0.00001; gnomAD exomes 0.00005.
gnomAD v4.1: 66 of 1,479,774 alleles (0.0045%); highest among the groups gnomAD compares: Non-Finnish European, 0.0056%; no homozygotes.

Submission:

Labcorp Genetics (formerly Invitae), Labcorp
Classification: Uncertain significance. Last evaluated: 2023-04-03. Review status: criteria provided, single submitter. Criteria: Invitae Variant Classification Sherloc (09022015). Collection method: clinical testing. Allele origin: germline.
Comment: In summary, the available evidence is currently insufficient to determine the role of this variant in disease. Therefore, it has been classified as a Variant of Uncertain Significance. An algorithm developed to predict the effect of missense changes on protein structure and function (PolyPhen-2) suggests that this variant¬† is likely to be tolerated. ClinVar contains an entry for this variant (Variation ID: 1933573). This variant has not been reported in the literature in individuals affected with GFER-related conditions. This variant is present in population databases (no rsID available, gnomAD 0.006%). This sequence change replaces glycine, which is neutral and non-polar, with alanine, which is neutral and non-polar, at codon 12 of the GFER protein (p.Gly12Ala).